The following is an entry in ClinVar:

ClinVar aggregate classification (germline): Uncertain significance (1 of 4 stars; one submission).

Conditions:
Saldino-Mainzer syndrome (SRTD9). Also called: CONORENAL SYNDROME; Renal dysplasia, retinal pigmentary dystrophy, cerebellar ataxia and skeletal dysplasia; short-rib thoracic dysplasia 9 with or without polydactyly; SHORT-RIB THORACIC DYSPLASIA 9 WITHOUT POLYDACTYLY. Identifiers: Orphanet 140969, MedGen C1849437, MONDO:0009964, OMIM 266920.

Allele frequency attached by ClinVar (database versions not stated): gnomAD exomes below 0.00001; TOPMed below 0.00001; ExAC 0.00001; gnomAD 0.00001; ESP Exome Variant Server 0.00008.
gnomAD v4.1: 3 of 1,608,734 alleles (0.00019%); highest among the groups gnomAD compares: East Asian, 0.0022%; no homozygotes.

Submission:

Labcorp Genetics (formerly Invitae), Labcorp
Classification: Uncertain significance for Saldino-Mainzer syndrome. Last evaluated: 2020-03-24. Review status: criteria provided, single submitter. Criteria: Invitae Variant Classification Sherloc (09022015). Collection method: clinical testing. Allele origin: germline.
Comment: Algorithms developed to predict the effect of missense changes on protein structure and function are either unavailable or do not agree on the potential impact of this missense change (SIFT: "Deleterious"; PolyPhen-2: "Possibly Damaging"; Align-GVGD: "Class C0"). This sequence change replaces methionine with valine at codon 827 of the IFT140 protein (p.Met827Val). The methionine residue is moderately conserved and there is a small physicochemical difference between methionine and valine. This variant is present in population databases (rs372141549, ExAC 0.002%). This variant has not been reported in the literature in individuals with IFT140-related conditions. Algorithms developed to predict the effect of sequence changes on RNA splicing suggest that this variant may create or strengthen a splice site, but this prediction has not been confirmed by published transcriptional studies. In summary, the available evidence is currently insufficient to determine the role of this variant in disease. Therefore, it has been classified as a Variant of Uncertain Significance.

NM_014714.4(IFT140):c.2479A>G (p.Met827Val)

Gene: IFT140 (intraflagellar transport 140; minus strand). Cytogenetic location: 16p13.3.
Variant type: single nucleotide variant.
Coding change: c.2479A>G on transcript NM_014714.4 (MANE Select); coding-DNA position 2479, A replaced by G.
Protein change: p.Met827Val; replaces methionine 827 with valine.
Molecular consequence: missense variant.
Genome position (GRCh38, 1-based): chr16:1,526,717, T>C on the plus strand (A>G on the coding strand, the complement: IFT140 is on the minus strand). VCF-style: chr16-1526717-T-C. GRCh37 (hg19) VCF-style: chr16-1576718-T-C.
Other names: short protein forms M827V.
Identifiers: ClinVar variation 1063373 (VCV001063373.9), dbSNP rs372141549, ClinGen allele CA7813615.